The following is an entry in ClinVar:

ClinVar aggregate classification (germline): Conflicting classifications of pathogenicity. Review status: criteria provided, conflicting classifications (1 of 4 stars). 7 submissions from 7 submitters: Uncertain significance (6); Likely benign (1). Last evaluated 2025-12-21.

Conditions:
Hereditary cancer-predisposing syndrome. Also called: Neoplastic Syndromes, Hereditary; Hereditary Cancer Syndrome; Hereditary neoplastic syndrome; Tumor predisposition. Identifiers: Orphanet 140162, MedGen C0027672, MeSH D009386, MONDO:0015356.
Familial cancer of breast. Also called: BREAST CANCER, FAMILIAL; hereditary breast carcinoma; Hereditary breast cancer. Identifiers: Orphanet 227535, MedGen C0346153, MONDO:0016419, OMIM 114480. Disease mechanism: loss of function.

Allele frequency attached by ClinVar (database versions not stated): TOPMed 0.00003; gnomAD 0.00005 and 0.00006; ESP Exome Variant Server 0.00008.
gnomAD v4.1: 9 of 1,613,916 alleles (0.00056%); highest among the groups gnomAD compares: African/African-American, 0.012%; no homozygotes.

Submissions (7):

Labcorp Genetics (formerly Invitae), Labcorp
Classification: Uncertain significance for Familial cancer of breast. Last evaluated: 2025-12-21. Review status: criteria provided, single submitter. Criteria: Invitae Variant Classification Sherloc (09022015). Collection method: clinical testing. Allele origin: germline.
Comment: This sequence change replaces cysteine, which is neutral and slightly polar, with tryptophan, which is neutral and slightly polar, at codon 368 of the BARD1 protein (p.Cys368Trp). This variant is present in population databases (rs371147849, gnomAD 0.02%). This variant has not been reported in the literature in individuals affected with BARD1-related conditions. ClinVar contains an entry for this variant (Variation ID: 479112). An algorithm developed to predict the effect of missense changes on protein structure and function (PolyPhen-2) suggests that this variant is likely to be tolerated. In summary, the available evidence is currently insufficient to determine the role of this variant in disease. Therefore, it has been classified as a Variant of Uncertain Significance.

Ambry Genetics
Classification: Uncertain significance for Hereditary cancer-predisposing syndrome. Last evaluated: 2025-08-25. Review status: criteria provided, single submitter. Criteria: Ambry Variant Classification Scheme 2023. Collection method: clinical testing. Allele origin: germline.
Comment: The p.C368W variant (also known as c.1104C>G), located in coding exon 4 of the BARD1 gene, results from a C to G substitution at nucleotide position 1104. The cysteine at codon 368 is replaced by tryptophan, an amino acid with highly dissimilar properties. This amino acid position is poorly conserved in available vertebrate species. In addition, this alteration is predicted to be tolerated by in silico analysis. Since supporting evidence is limited at this time, the clinical significance of this alteration remains unclear.

GeneDx
Classification: Uncertain significance. Last evaluated: 2024-09-30. Review status: criteria provided, single submitter. Criteria: GeneDx Variant Classification Process June 2021. Collection method: clinical testing. Allele origin: germline. Affected: yes.
Comment: Not observed at significant frequency in large population cohorts (gnomAD); In silico analysis indicates that this missense variant does not alter protein structure/function; Has not been previously published as pathogenic or benign to our knowledge

Baylor Genetics
Classification: Uncertain significance for Familial cancer of breast. Last evaluated: 2023-09-25. Review status: criteria provided, single submitter. Criteria: ACMG Guidelines, 2015. Collection method: clinical testing. Allele origin: unknown.

Myriad Genetics, Inc.
Classification: Likely benign for Familial cancer of breast. Last evaluated: 2023-02-09. Review status: criteria provided, single submitter. Criteria: Myriad Autosomal Dominant, Autosomal Recessive and X-Linked Classification Criteria (2023). Collection method: clinical testing. Allele origin: unknown.
Comment: This variant is considered likely benign. This variant is strongly associated with less severe personal and family histories of cancer, typical for individuals without pathogenic variants in this gene [PMID: 25085752].

Sema4
Classification: Uncertain significance for Hereditary cancer-predisposing syndrome. Last evaluated: 2021-12-16. Review status: criteria provided, single submitter. Criteria: Sema4 Curation Guidelines. Collection method: curation. Allele origin: germline.
Comment: The BARD1 c.1104C>G (p.C368W) variant has not been reported in the literature to our knowledge. This variant was observed in 5/24950 chromosomes in the African/African American population according to the Genome Aggregation Database (PMID: 32461654). This variant has been reported in ClinVar (Variation ID 479112). Functional studies have not been performed, and in silico predictions of the variant's effect on protein function are inconclusive. The overall evidence is insufficient to meet ACMG/AMP criteria for classifying it as benign or pathogenic. In summary, the clinical significance of this variant is currently uncertain.

Quest Diagnostics Nichols Institute San Juan Capistrano
Classification: Uncertain significance. Last evaluated: 2018-03-21. Review status: criteria provided, single submitter. Criteria: Quest Diagnostics criteria. Collection method: clinical testing. Allele origin: germline.

Literature cited by the submitters: PubMed 25085752 (cited by Myriad Genetics, Inc.).

NM_000465.4(BARD1):c.1104C>G (p.Cys368Trp)

Gene: BARD1 (BRCA1 associated RING domain 1; minus strand). Cytogenetic location: 2q35.
Variant type: single nucleotide variant.
Coding change: c.1104C>G on transcript NM_000465.4 (MANE Select); coding-DNA position 1104, C replaced by G.
Protein change: p.Cys368Trp; replaces cysteine 368 with tryptophan.
Molecular consequence: missense variant. On other transcripts: non-coding transcript variant (2), intron variant (3).
Genome position (GRCh38, 1-based): chr2:214,780,770, G>C on the plus strand (C>G on the coding strand, the complement: BARD1 is on the minus strand). VCF-style: chr2-214780770-G-C. GRCh37 (hg19) VCF-style: chr2-215645494-G-C.
Other names: c.1047C>G, p.Cys349Trp (NM_001282543.2); c.159-28215C>G (NM_001282548.2); c.215+16291C>G (NM_001282545.2); c.364+11527C>G (NM_001282549.2); short protein forms C368W, C349W.
Identifiers: ClinVar variation 479112 (VCV000479112.22), dbSNP rs371147849, ClinGen allele CA2090338.
Genomic context (GRCh38, chr2:214,780,770, plus strand): 5'-AATGAATTCATCGGACATGTTACTGTTTTTCCTCCCTGATGTACCACCAACTTTACGTTT[G>C]CATGAAGGTGGTGAAGAACATTCAGGCAATGGTATATTTTCTGAGGGCACCGTTTGCTTA-3'
Protein context (NP_000456.2, residues 358-378): PLPECSSPPS[Cys368Trp]KRKVGGTSGR